The following is an entry in ClinVar:

NM_004972.4(JAK2):c.1686C>T (p.Gly562=)

Genes: INSL6 (insulin like 6; minus strand), JAK2 (Janus kinase 2; plus strand). Cytogenetic location: 9p24.1.
Variant type: single nucleotide variant.
Coding change: c.1686C>T on transcript NM_004972.4 (MANE Select); coding-DNA position 1686, C replaced by T.
Protein change: p.Gly562=; no amino-acid change (glycine 562 retained).
Molecular consequence: synonymous variant. On other transcripts: non-coding transcript variant (2).
Genome position (GRCh38, 1-based): chr9:5,072,536, C>T. VCF-style: chr9-5072536-C-T. GRCh37 (hg19) VCF-style: chr9-5072536-C-T.
Other names: c.1686C>T, p.Gly562= (NM_001322194.2, NM_001322195.2, NM_001322196.2); c.471C>T, p.Gly157= (NM_001322198.2, NM_001322199.2); c.1239C>T, p.Gly413= (NM_001322204.2).
Identifiers: ClinVar variation 726684 (VCV000726684.33), dbSNP rs143997706, ClinGen allele CA4971933.

ClinVar aggregate classification (germline): Likely benign. Review status: criteria provided, multiple submitters, no conflicts (2 of 4 stars). 5 submissions from 5 submitters: Likely benign (3). 2 of the submissions do not count toward it. Last evaluated 2025-12-22.

Allele frequency attached by ClinVar (database versions not stated): TOPMed 0.00015; 1000 Genomes Project 0.00020; gnomAD 0.00028 and 0.00029; 1000 Genomes Project 30x 0.00031; ESP Exome Variant Server 0.00031; ExAC 0.00042; gnomAD exomes 0.00046.
gnomAD v4.1: 546 of 1,605,092 alleles (0.034%); highest among the groups gnomAD compares: Non-Finnish European, 0.031%; 2 homozygotes.

Submissions (5):

Labcorp Genetics (formerly Invitae), Labcorp
Classification: Likely benign. Last evaluated: 2025-12-22. Review status: criteria provided, single submitter. Criteria: Invitae Variant Classification Sherloc (09022015). Collection method: clinical testing. Allele origin: germline.

Blueprint Genetics
Classification: Likely benign. Last evaluated: 2024-10-11. Review status: criteria provided, single submitter. Criteria: ACMG Guidelines, 2015. Collection method: clinical testing. Allele origin: germline.

CeGaT Center for Human Genetics Tuebingen
Classification: Likely benign. Last evaluated: 2022-06-01. Review status: criteria provided, single submitter. Criteria: CeGaT Center For Human Genetics Tuebingen Variant Classification Criteria Version 2. Collection method: clinical testing. Allele origin: germline. Affected: yes. Observed: 1 variant allele.
Comment: JAK2: BP4, BP7

Clinical Genetics DNA and cytogenetics Diagnostics Lab, Erasmus MC, Erasmus Medical Center
Classification: Likely benign. Review status: no assertion criteria provided. Collection method: clinical testing. Allele origin: germline. Affected: yes. Study: VKGL Data-share Consensus. Not counted in ClinVar's aggregate classification.

Genome Diagnostics Laboratory, University Medical Center Utrecht
Classification: Likely benign. Review status: no assertion criteria provided. Collection method: clinical testing. Allele origin: germline. Affected: yes. Study: VKGL Data-share Consensus. Not counted in ClinVar's aggregate classification.